The following is an entry in ClinVar:

NM_001083961.2(WDR62):c.1233+5G>C

Gene: WDR62 (WD repeat domain 62; plus strand). Cytogenetic location: 19q13.12.
Variant type: single nucleotide variant.
Coding change: c.1233+5G>C on transcript NM_001083961.2 (MANE Select); 5 bases into the intron after coding-DNA position 1233, G replaced by C.
Molecular consequence: intron variant.
Genome position (GRCh38, 1-based): chr19:36,073,536, G>C. VCF-style: chr19-36073536-G-C. GRCh37 (hg19) VCF-style: chr19-36564438-G-C.
Other names: c.1218+5G>C (NM_001411145.1); c.882+5526G>C (NM_001411147.1); c.1233+5G>C (NM_173636.5, NM_001411146.1, NM_001083961.1).
Identifiers: ClinVar variation 2503297 (VCV002503297.2), dbSNP rs1971411875, ClinGen allele CA2333957291.
Genomic context (GRCh38, chr19:36,073,536, plus strand): 5'-GAGTGGGCAAGGTGTGGTCAGAGCTCTTCCACAGCTCCTACGTTTGGAACGTGGAGGTGA[G>C]CCCCCCCCCCACCCCCTTGCCCCTGCTTGGCCTCTGCACAGTTCCCCACAGTTTGGGAAC-3'

ClinVar aggregate classification (germline): Conflicting classifications of pathogenicity. Review status: criteria provided, conflicting classifications (1 of 4 stars). 2 submissions from 2 submitters: Likely pathogenic (1); Uncertain significance (1). Last evaluated 2025-09-19.

Conditions:
Inborn genetic diseases. Identifiers: MedGen C0950123, MeSH D030342.

Allele frequency attached by ClinVar (database versions not stated): TOPMed 0.00001.
gnomAD v4.1: 1 of 1,304,352 alleles (0.000077%); no homozygotes.

Submissions (2):

Ambry Genetics
Classification: Uncertain significance for Inborn genetic diseases. Last evaluated: 2025-09-19. Review status: criteria provided, single submitter. Criteria: Ambry Variant Classification Scheme 2023. Collection method: clinical testing. Allele origin: germline.
Comment: The c.1233+5G>C intronic alteration consists of a G to C substitution 5 nucleotides after coding exon 9 in the WDR62 gene. This variant was not reported in population-based cohorts in the Genome Aggregation Database (gnomAD). This nucleotide position is highly conserved in available vertebrate species. In silico splice site analysis predicts that this alteration will result in the creation or strengthening of a novel splice donor site. Based on insufficient or conflicting evidence, the clinical significance of this alteration remains unclear.

GeneDx
Classification: Likely pathogenic. Last evaluated: 2022-11-21. Review status: criteria provided, single submitter. Criteria: GeneDx Variant Classification Process June 2021. Collection method: clinical testing. Allele origin: germline. Affected: yes.
Comment: Intronic +5 splice site variant in a gene for which loss of function is a known mechanism of disease, and splice predictors support a deleterious effect; Not observed at significant frequency in large population cohorts (gnomAD); Has not been previously published as pathogenic or benign to our knowledge